The following is an entry in ClinVar:

NM_022124.6(CDH23):c.6794del (p.Ser2265fs)

Gene: CDH23 (cadherin related 23; plus strand). Cytogenetic location: 10q22.1.
Variant type: Deletion.
Coding change: c.6794del on transcript NM_022124.6 (MANE Select); coding-DNA position 6794, one base deleted (G; older notation c.6794delG).
Protein change: p.Ser2265fs; shifts the reading frame from serine 2265.
Molecular consequence: frameshift variant.
Genome position (GRCh38, 1-based): chr10:71,797,185, G deleted. VCF-style (leftmost placement, unchanged base first): chr10-71797184-AG-A. GRCh37 (hg19) VCF-style: chr10-73556941-AG-A.
Other names: c.74del, p.Ser25fs (NM_001171933.1, NM_001171934.1); short protein forms S2265fs, S25fs.
Identifiers: ClinVar variation 2973664 (VCV002973664.3), dbSNP rs2494395295, ClinGen allele CA2574455215.

ClinVar aggregate classification (germline): Pathogenic (1 of 4 stars; one submission).

Submission:

Labcorp Genetics (formerly Invitae), Labcorp
Classification: Pathogenic. Last evaluated: 2023-11-08. Review status: criteria provided, single submitter. Criteria: Invitae Variant Classification Sherloc (09022015). Collection method: clinical testing. Allele origin: germline.
Comment: This sequence change creates a premature translational stop signal (p.Ser2265Thrfs*15) in the CDH23 gene. It is expected to result in an absent or disrupted protein product. Loss-of-function variants in CDH23 are known to be pathogenic (PMID: 11138009, 21940737). This variant is not present in population databases (gnomAD no frequency). This variant has not been reported in the literature in individuals affected with CDH23-related conditions. For these reasons, this variant has been classified as Pathogenic.

Literature cited by the submitters: PubMed 11138009; PubMed 21940737.